The following is an entry in ClinVar:

ClinVar aggregate classification (germline): Uncertain significance (1 of 4 stars; one submission).

Allele frequency attached by ClinVar (database versions not stated): TOPMed below 0.00001.

Submission:

Labcorp Genetics (formerly Invitae), Labcorp
Classification: Uncertain significance. Last evaluated: 2025-09-02. Review status: criteria provided, single submitter. Criteria: Invitae Variant Classification Sherloc (09022015). Collection method: clinical testing. Allele origin: germline.
Comment: This sequence change replaces proline, which is neutral and non-polar, with serine, which is neutral and polar, at codon 12 of the PRPF6 protein (p.Pro12Ser). This variant is not present in population databases (gnomAD no frequency). This variant has not been reported in the literature in individuals affected with PRPF6-related conditions. ClinVar contains an entry for this variant (Variation ID: 1975383). Invitae Evidence Modeling of protein sequence and biophysical properties (such as structural, functional, and spatial information, amino acid conservation, physicochemical variation, residue mobility, and thermodynamic stability) indicates that this missense variant is not expected to disrupt PRPF6 protein function with a negative predictive value of 80%. In summary, the available evidence is currently insufficient to determine the role of this variant in disease. Therefore, it has been classified as a Variant of Uncertain Significance.

NM_012469.4(PRPF6):c.34C>T (p.Pro12Ser)

Gene: PRPF6 (pre-mRNA processing factor 6; plus strand). Cytogenetic location: 20q13.33.
Variant type: single nucleotide variant.
Coding change: c.34C>T on transcript NM_012469.4 (MANE Select); coding-DNA position 34, C replaced by T.
Protein change: p.Pro12Ser; replaces proline 12 with serine.
Molecular consequence: missense variant.
Genome position (GRCh38, 1-based): chr20:63,981,279, C>T. VCF-style: chr20-63981279-C-T. GRCh37 (hg19) VCF-style: chr20-62612632-C-T.
Other names: short protein forms P12S.
Identifiers: ClinVar variation 1975383 (VCV001975383.5), dbSNP rs1289907639, ClinGen allele CA409796329.